The following is an entry in ClinVar:

ClinVar aggregate classification (germline): Benign (1 of 4 stars; one submission).

Conditions:
Retinitis pigmentosa (RP). Identifiers: Orphanet 791, MedGen C0035334, MeSH D012174, MONDO:0019200, OMIM 268000. Inheritance: Autosomal dominant, autosomal recessive and X linked inheritance.

Allele frequency attached by ClinVar (database versions not stated): gnomAD 0.00028 and 0.00080; TOPMed 0.00040; 1000 Genomes Project 30x 0.00484; 1000 Genomes Project 0.00539.

Submission:

Illumina Laboratory Services, Illumina
Classification: Benign for Retinitis pigmentosa. Last evaluated: 2018-01-13. Review status: criteria provided, single submitter. Criteria: ICSL Variant Classification Criteria 13 December 2019. Collection method: clinical testing. Allele origin: germline.
Comment: This variant was observed in the ICSL laboratory as part of a predisposition screen in an ostensibly healthy population. It had not been previously curated by ICSL or reported in the Human Gene Mutation Database (HGMD: prior to June 1st, 2018), and was therefore a candidate for classification through an automated scoring system. Utilizing variant allele frequency, disease prevalence and penetrance estimates, and inheritance mode, an automated score was calculated to assess if this variant is too frequent to cause the disease. Based on the score and internal cut-off values, a variant classified as benign is not then subjected to further curation. The score for this variant resulted in a classification of benign for this disease.

NM_001354768.3(NRL):c.*667C>T

Gene: NRL (neural retina leucine zipper; minus strand). Cytogenetic location: 14q11.2.
Variant type: single nucleotide variant.
Coding change: c.*667C>T on transcript NM_001354768.3 (MANE Select); 667 bases downstream of the stop codon, C replaced by T.
Molecular consequence: 3 prime UTR variant.
Genome position (GRCh38, 1-based): chr14:24,080,569, G>A on the plus strand (C>T on the coding strand, the complement: NRL is on the minus strand). VCF-style: chr14-24080569-G-A. GRCh37 (hg19) VCF-style: chr14-24549778-G-A.
Other names: c.*667C>T (NM_001354769.1, NM_001354770.2, NM_006177.5).
Identifiers: ClinVar variation 312930 (VCV000312930.5), dbSNP rs555110362, ClinGen allele CA10639995.
Genomic context (GRCh38, chr14:24,080,569, plus strand): 5'-CCAATCCACATGAGAATTAGATGAAGTAACACAAGTCCAGGAAGCAACTGATTTGCTCAG[G>A]GTGACAGGGGGATCCCATGGAAGAGCTGGGACTAGGACCCAGGTTTCCAGACTTCTGCAC-3'